The following is an entry in ClinVar:

ClinVar aggregate classification (germline): Conflicting classifications of pathogenicity. Review status: criteria provided, conflicting classifications (1 of 4 stars). 4 submissions from 4 submitters: Uncertain significance (1); Benign (1); Likely benign (2). Last evaluated 2025-09-24.

Conditions:
Tuberous sclerosis syndrome (TSC). Also called: Tuberous Sclerosis Complex; Tuberous sclerosis. Identifiers: Orphanet 805, MedGen C0041341, MONDO:0001734.
Tuberous sclerosis 2 (TSC2). Identifiers: Orphanet 805, MedGen C1860707, MONDO:0013199, OMIM 613254.
Hereditary cancer-predisposing syndrome. Also called: Hereditary neoplastic syndrome; Neoplastic Syndromes, Hereditary; Tumor predisposition; Hereditary Cancer Syndrome. Identifiers: Orphanet 140162, MedGen C0027672, MeSH D009386, MONDO:0015356.

Allele frequency attached by ClinVar (database versions not stated): gnomAD exomes below 0.00001; ExAC 0.00001.
gnomAD v4.1: 1 of 1,614,132 alleles (0.000062%); no homozygotes.

Submissions (4):

Labcorp Genetics (formerly Invitae), Labcorp
Classification: Likely benign for Tuberous sclerosis 2. Last evaluated: 2025-09-24. Review status: criteria provided, single submitter. Criteria: Invitae Variant Classification Sherloc (09022015). Collection method: clinical testing. Allele origin: germline.

Color Diagnostics, LLC DBA Color Health
Classification: Uncertain significance for Tuberous sclerosis syndrome. Last evaluated: 2025-06-23. Review status: criteria provided, single submitter. Criteria: ACMG Guidelines, 2015. Collection method: clinical testing. Allele origin: germline.
Comment: This variant is located in the TSC2 protein. To our knowledge, functional studies have not been reported for this variant. This variant has not been reported in individuals affected with TSC2-related disorders in the literature. This variant has been identified in 1/251188 chromosomes in the general population by the Genome Aggregation Database (gnomAD). The available evidence is insufficient to determine the role of this variant in disease conclusively. Therefore, this variant is classified as a Variant of Uncertain Significance.

Myriad Genetics, Inc.
Classification: Benign for Tuberous sclerosis 2. Last evaluated: 2025-05-19. Review status: criteria provided, single submitter. Criteria: Myriad Autosomal Dominant, Autosomal Recessive and X-Linked Classification Criteria (2023). Collection method: clinical testing. Allele origin: unknown.
Comment: This variant is considered benign. This variant is a silent/synonymous amino acid change and it is not expected to impact splicing.

Ambry Genetics
Classification: Likely benign for Hereditary cancer-predisposing syndrome. Last evaluated: 2020-12-28. Review status: criteria provided, single submitter. Criteria: Ambry Variant Classification Scheme 2023. Collection method: clinical testing. Allele origin: germline.

NM_000548.5(TSC2):c.2130G>A (p.Leu710=)

Gene: TSC2 (TSC complex subunit 2; plus strand). Cytogenetic location: 16p13.3.
Variant type: single nucleotide variant.
Coding change: c.2130G>A on transcript NM_000548.5 (MANE Select); coding-DNA position 2130, G replaced by A.
Protein change: p.Leu710=; no amino-acid change (leucine 710 retained).
Molecular consequence: synonymous variant.
Genome position (GRCh38, 1-based): chr16:2,072,273, G>A. VCF-style: chr16-2072273-G-A. GRCh37 (hg19) VCF-style: chr16-2122274-G-A.
Other names: c.2130G>A, p.Leu710= (NM_001077183.3, NM_001114382.3, NM_001363528.2 and 3 more transcripts); c.2019G>A, p.Leu673= (NM_001318827.2); c.1983G>A, p.Leu661= (NM_001318829.2); c.1530G>A, p.Leu510= (NM_001318831.2); c.2163G>A, p.Leu721= (NM_001318832.2).
Identifiers: ClinVar variation 731967 (VCV000731967.14), dbSNP rs747122485, ClinGen allele CA036787.
Genomic context (GRCh38, chr16:2,072,273, plus strand): 5'-CCTGTCCTGACGCCTCCTCTCCTCGCAGGAGTCTGACTGGAAGGTGCTGAAGCTGGTTCT[G>A]GGCAGGCTGCCTGAGTCCCTGCGCTATAAAGTGCTCATCTTTACTTCCCCTTGCAGTGTG-3'
Protein context (NP_000539.2, residues 700-720): ESDWKVLKLV[Leu710=]GRLPESLRYK